The following is an entry in ClinVar:

NM_198525.3(KIF7):c.721G>T (p.Gly241Cys)

Gene: KIF7 (kinesin family member 7; minus strand). Cytogenetic location: 15q26.1.
Variant type: single nucleotide variant.
Coding change: c.721G>T on transcript NM_198525.3 (MANE Select); coding-DNA position 721, G replaced by T.
Protein change: p.Gly241Cys; replaces glycine 241 with cysteine.
Molecular consequence: missense variant.
Genome position (GRCh38, 1-based): chr15:89,649,176, C>A on the plus strand (G>T on the coding strand, the complement: KIF7 is on the minus strand). VCF-style: chr15-89649176-C-A. GRCh37 (hg19) VCF-style: chr15-90192407-C-A.
Other names: short protein forms G241C.
Identifiers: ClinVar variation 424334 (VCV000424334.17), dbSNP rs1004531343, ClinGen allele CA16620032.

ClinVar aggregate classification (germline): Uncertain significance. Review status: criteria provided, multiple submitters, no conflicts (2 of 4 stars). 7 submissions from 7 submitters: Uncertain significance (6). 1 of the submissions does not count toward it. Last evaluated 2024-08-16.

Conditions:
KIF7-related disorder. Also called: KIF7-related condition.
Inborn genetic diseases. Identifiers: MedGen C0950123, MeSH D030342.
Acrocallosal syndrome (ACLS). Also called: Schinzel syndrome 1; Absence of corpus callosum with unusual facial appearance, mental deficiency, duplication of the halluces and polydactyly; HALLUX DUPLICATION, POSTAXIAL POLYDACTYLY, AND ABSENCE OF CORPUS CALLOSUM. Identifiers: Orphanet 36, MedGen C0796147, MONDO:0008708, OMIM 200990.

Allele frequency attached by ClinVar (database versions not stated): gnomAD 0.00001; gnomAD exomes 0.00001.
gnomAD v4.1: 17 of 1,547,754 alleles (0.0011%); highest among the groups gnomAD compares: Middle Eastern, 0.18%; no homozygotes.

Submissions (7):

GeneDx
Classification: Uncertain significance. Last evaluated: 2024-08-16. Review status: criteria provided, single submitter. Criteria: GeneDx Variant Classification Process June 2021. Collection method: clinical testing. Allele origin: germline. Affected: yes.
Comment: Not observed at significant frequency in large population cohorts (gnomAD); In silico analysis, which includes protein predictors and evolutionary conservation, supports a deleterious effect; Has not been previously published as pathogenic or benign to our knowledge

Genomic Medicine Center of Excellence, King Faisal Specialist Hospital and Research Centre
Classification: Uncertain significance for Acrocallosal syndrome. Last evaluated: 2024-03-29. Review status: criteria provided, single submitter. Criteria: ACMG Guidelines, 2015. Collection method: clinical testing. Allele origin: germline.

Blueprint Genetics
Classification: Uncertain significance. Last evaluated: 2022-11-18. Review status: criteria provided, single submitter. Criteria: ACMG Guidelines, 2015. Collection method: clinical testing. Allele origin: germline.

Ambry Genetics
Classification: Uncertain significance for Inborn genetic diseases. Last evaluated: 2022-09-02. Review status: criteria provided, single submitter. Criteria: Ambry Variant Classification Scheme 2023. Collection method: clinical testing. Allele origin: germline.

Labcorp Genetics (formerly Invitae), Labcorp
Classification: Uncertain significance for Acrocallosal syndrome. Last evaluated: 2022-02-05. Review status: criteria provided, single submitter. Criteria: Invitae Variant Classification Sherloc (09022015). Collection method: clinical testing. Allele origin: germline.
Comment: This variant is not present in population databases (gnomAD no frequency). In summary, the available evidence is currently insufficient to determine the role of this variant in disease. Therefore, it has been classified as a Variant of Uncertain Significance. Algorithms developed to predict the effect of missense changes on protein structure and function are either unavailable or do not agree on the potential impact of this missense change (SIFT: "Deleterious"; PolyPhen-2: "Possibly Damaging"; Align-GVGD: "Class C0"). ClinVar contains an entry for this variant (Variation ID: 424334). This variant has not been reported in the literature in individuals affected with KIF7-related conditions. This sequence change replaces glycine, which is neutral and non-polar, with cysteine, which is neutral and slightly polar, at codon 241 of the KIF7 protein (p.Gly241Cys).

Baylor Genetics
Classification: Uncertain significance for Acrocallosal syndrome. Last evaluated: 2019-12-06. Review status: criteria provided, single submitter. Criteria: ACMG Guidelines, 2015. Collection method: clinical testing. Allele origin: unknown. Affected: yes.
Comment: This variant was determined to be of uncertain significance according to ACMG Guidelines, 2015 [PMID:25741868].

PreventionGenetics, part of Exact Sciences
Classification: Uncertain significance for KIF7-related condition. Last evaluated: 2024-05-27. Review status: no assertion criteria provided. Collection method: clinical testing. Allele origin: germline. Not counted in ClinVar's aggregate classification.
Comment: The KIF7 c.721G>T variant is predicted to result in the amino acid substitution p.Gly241Cys. To our knowledge, this variant has not been reported in the literature in individuals with KIF7 related disorders. This variant is reported in 0.0% of alleles in individuals of African descent in gnomAD. At this time, the clinical significance of this variant is uncertain due to the absence of conclusive functional and genetic evidence.